The following is an entry in ClinVar:

ClinVar aggregate classification (germline): Conflicting classifications of pathogenicity. Review status: criteria provided, conflicting classifications (1 of 4 stars). 5 submissions from 5 submitters: Uncertain significance (3); Likely benign (1). 1 of the submissions does not count toward it. Last evaluated 2025-10-12.

Conditions:
Monogenic diabetes. Identifiers: Orphanet 183625, MedGen C3888631, MONDO:0015967.
LEPR-related disorder. Also called: LEPR-related condition; LEPR-related disorders.

Allele frequency attached by ClinVar (database versions not stated): gnomAD exomes 0.00005 and 0.00022; ExAC 0.00032; 1000 Genomes Project 0.00040; 1000 Genomes Project 30x 0.00047; gnomAD 0.00064 and 0.00069; TOPMed 0.00081; ESP Exome Variant Server 0.00108.

Submissions (5):

Labcorp Genetics (formerly Invitae), Labcorp
Classification: Likely benign. Last evaluated: 2025-10-12. Review status: criteria provided, single submitter. Criteria: Invitae Variant Classification Sherloc (09022015). Collection method: clinical testing. Allele origin: germline.

Genetic Services Laboratory, University of Chicago
Classification: Uncertain significance. Last evaluated: 2017-08-23. Review status: criteria provided, single submitter. Criteria: ACMG Guidelines, 2015. Collection method: clinical testing. Allele origin: germline. Affected: no.

Personalized Diabetes Medicine Program, University of Maryland School of Medicine
Classification: Uncertain significance for Monogenic diabetes. Last evaluated: 2015-12-22. Review status: criteria provided, single submitter. Criteria: ACMG Guidelines, 2015. Collection method: research. Allele origin: unknown. Observed: 1 variant allele, 1 heterozygote.
Comment: ACMG Criteria: PP3, BP4

Breakthrough Genomics
Classification: Uncertain significance. Review status: criteria provided, single submitter. Criteria: ACMG Guidelines, 2015. Collection method: not provided. Allele origin: germline. Inheritance: Autosomal recessive inheritance. Affected: yes.

PreventionGenetics, part of Exact Sciences
Classification: Likely benign for LEPR-related condition. Last evaluated: 2023-02-10. Review status: no assertion criteria provided. Collection method: clinical testing. Allele origin: germline. Not counted in ClinVar's aggregate classification.
Comment: This variant is classified as likely benign based on ACMG/AMP sequence variant interpretation guidelines (Richards et al. 2015 PMID: 25741868, with internal and published modifications).

NM_002303.6(LEPR):c.3479T>C (p.Met1160Thr)

Gene: LEPR (leptin receptor; plus strand). Cytogenetic location: 1p31.3.
Variant type: single nucleotide variant.
Coding change: c.3479T>C on transcript NM_002303.6 (MANE Select); coding-DNA position 3479, T replaced by C.
Protein change: p.Met1160Thr; replaces methionine 1160 with threonine.
Molecular consequence: missense variant.
Genome position (GRCh38, 1-based): chr1:65,636,996, T>C. VCF-style: chr1-65636996-T-C. GRCh37 (hg19) VCF-style: chr1-66102679-T-C.
Other names: short protein forms M1160T.
Identifiers: ClinVar variation 298003 (VCV000298003.14), dbSNP rs145685060, ClinGen allele CA895275.
Genomic context (GRCh38, chr1:65,636,996, plus strand): 5'-CTTACATGCCTCAATTCCAAACTTGTTCTACTCAGACTCATAAGATCATGGAAAACAAGA[T>C]GTGTGACCTAACTGTGTAATTTCACTGAAGAAACCTTCAGATTTGTGTTATAATGGGTAA-3'
Protein context (NP_002294.2, residues 1150-1165): TQTHKIMENK[Met1160Thr]CDLTV